The following is an entry in ClinVar:

NM_001127208.3(TET2):c.2600A>G (p.Tyr867Cys)

Genes: TET2 (tet methylcytosine dioxygenase 2; plus strand), TET2-AS1 (TET2 antisense RNA 1; minus strand). Cytogenetic location: 4q24.
Variant type: single nucleotide variant.
Coding change: c.2600A>G on transcript NM_001127208.3 (MANE Select); coding-DNA position 2600, A replaced by G.
Protein change: p.Tyr867Cys; replaces tyrosine 867 with cysteine.
Molecular consequence: missense variant.
Genome position (GRCh38, 1-based): chr4:105,236,542, A>G. VCF-style: chr4-105236542-A-G. GRCh37 (hg19) VCF-style: chr4-106157699-A-G.
Other names: c.2600A>G, p.Tyr867Cys (NM_017628.4); short protein forms Y867C.
Identifiers: ClinVar variation 3805914 (VCV003805914.1).
Genomic context (GRCh38, chr4:105,236,542, plus strand): 5'-AGACTACACATCCTGAACTTTTTGCAGGAAACAAGACCCAAAACTTGCATCACATGCAAT[A>G]TTTTCCAAATAATGTGATCCCAAAGCAAGATCTTCTTCACAGGTGCTTTCAAGAACAGGA-3'
Protein context (NP_001120680.1, residues 857-877): NKTQNLHHMQ[Tyr867Cys]FPNNVIPKQD

ClinVar aggregate classification (germline): Uncertain significance (1 of 4 stars; one submission).

gnomAD v4.1: 3 of 1,614,074 alleles (0.00019%); highest among the groups gnomAD compares: South Asian, 0.0033%; no homozygotes.

Submission:

Ambry Genetics
Classification: Uncertain significance. Last evaluated: 2024-12-30. Review status: criteria provided, single submitter. Criteria: Ambry Variant Classification Scheme 2023. Collection method: clinical testing. Allele origin: germline.
Comment: The p.Y867C variant (also known as c.2600A>G), located in coding exon 1 of the TET2 gene, results from an A to G substitution at nucleotide position 2600. The tyrosine at codon 867 is replaced by cysteine, an amino acid with highly dissimilar properties. This amino acid position is conserved. In addition, this alteration is predicted to be tolerated by in silico analysis. Based on the available evidence, the clinical significance of this variant remains unclear.